The following is an entry in ClinVar:

ClinVar aggregate classification (germline): Likely pathogenic. Review status: criteria provided, single submitter (1 of 4 stars). 2 submissions from 2 submitters: Likely pathogenic (1). 1 of the submissions does not count toward it. Last evaluated 2019-01-30.

Conditions:
Metachromatic leukodystrophy (MLD). Also called: ARSA DEFICIENCY; CEREBROSIDE SULFATASE DEFICIENCY; METACHROMATIC LEUKOENCEPHALOPATHY; SULFATIDE LIPIDOSIS; Cerebral sclerosis diffuse metachromatic form; Arylsulfatase A Deficiency. Identifiers: Orphanet 512, MedGen C0023522, MONDO:0018868, OMIM 250100.

Submissions (2):

Labcorp Genetics (formerly Invitae), Labcorp
Classification: Likely pathogenic for Metachromatic leukodystrophy. Last evaluated: 2019-01-30. Review status: criteria provided, single submitter. Criteria: Invitae Variant Classification Sherloc (09022015). Collection method: clinical testing. Allele origin: germline.
Comment: This sequence change results in a premature translational stop signal in the ARSA gene (p.Ala346Leufs*77). While this is not anticipated to result in nonsense mediated decay, it is expected to disrupt the last 164 amino acids of the ARSA protein. This variant is not present in population databases (ExAC no frequency). This variant has not been reported in the literature in individuals with ARSA-related conditions. ClinVar contains an entry for this variant (Variation ID: 552604). Experimental studies and prediction algorithms are not available for this variant, and the functional significance of the affected amino acid(s) is currently unknown. This variant disrupts the p.Glu384 amino acid residue in ARSA. Other variant(s) that disrupt this residue have been observed in individuals with ARSA-related conditions (PMID: 26462614, 7906588, 15375602, 20339381, 19021637), suggesting that it is a clinically significant residue. As a result, variants that disrupt this residue are likely to be causative of disease. In summary, the currently available evidence indicates that the variant is pathogenic, but additional data are needed to prove that conclusively. Therefore, this variant has been classified as Likely Pathogenic.

Counsyl
Classification: Likely pathogenic for Metachromatic leukodystrophy. Last evaluated: 2017-06-23. Review status: no assertion criteria provided. Collection method: clinical testing. Allele origin: unknown. Not counted in ClinVar's aggregate classification.

Literature cited by the submitters: PubMed 26462614 (cited by Labcorp Genetics (formerly Invitae), Labcorp); PubMed 7906588 (cited by Labcorp Genetics (formerly Invitae), Labcorp); PubMed 15375602 (cited by Labcorp Genetics (formerly Invitae), Labcorp); PubMed 20339381 (cited by Labcorp Genetics (formerly Invitae), Labcorp); PubMed 19021637 (cited by Labcorp Genetics (formerly Invitae), Labcorp).

NM_000487.6(ARSA):c.1036del (p.Ala346fs)

Gene: ARSA (arylsulfatase A; minus strand). Cytogenetic location: 22q13.33.
Variant type: Deletion.
Coding change: c.1036del on transcript NM_000487.6 (MANE Select); coding-DNA position 1036, one base deleted (G; older notation c.1036delG).
Protein change: p.Ala346fs; shifts the reading frame from alanine 346.
Molecular consequence: frameshift variant.
Genome position (GRCh38, 1-based): chr22:50,626,007, C deleted on the plus strand (G on the coding strand, the reverse complement: ARSA is on the minus strand); the first of 2 consecutive C bases (chr22:50,626,007-50,626,008); deleting either gives the same sequence. VCF-style (leftmost placement, unchanged base first): chr22-50626006-GC-G. GRCh37 (hg19) VCF-style: chr22-51064434-GC-G.
Other names: c.1036del, p.Ala346fs (NM_001085425.3, NM_001085426.3, NM_001085427.3); c.778del, p.Ala260fs (NM_001085428.3, NM_001362782.2); c.1036del (NM_000487.5); short protein forms A346fs, A260fs.
Identifiers: ClinVar variation 552604 (VCV000552604.11), dbSNP rs1555900463, ClinGen allele CA658824684.
Genomic context (GRCh38, chr22:50,626,006, plus strand): 5'-CCCAGCAGCAGGGGGCTGAGGTCAAAGCCATCCAAGGTGACATTGGGCAGTGGGGCCCCA[GC>G]CAGGGCTGCCAGGGTAGGCAGCAGGTCCAGGGAGCTGGCCAGCTCGTGGGTCACGCCTGG-3'